The following is an entry in ClinVar:

ClinVar aggregate classification (germline): Uncertain significance (1 of 4 stars; one submission).

Allele frequency attached by ClinVar (database versions not stated): gnomAD exomes below 0.00001 and 0.00002; ExAC 0.00001; gnomAD 0.00001; TOPMed 0.00002.
gnomAD v4.1: 5 of 1,610,798 alleles (0.00031%); highest among the groups gnomAD compares: Admixed American, 0.005%; no homozygotes.

Submission:

Labcorp Genetics (formerly Invitae), Labcorp
Classification: Uncertain significance. Last evaluated: 2025-05-11. Review status: criteria provided, single submitter. Criteria: Invitae Variant Classification Sherloc (09022015). Collection method: clinical testing. Allele origin: germline.
Comment: This sequence change replaces alanine, which is neutral and non-polar, with threonine, which is neutral and polar, at codon 888 of the GRIN2D protein (p.Ala888Thr). This variant is present in population databases (rs778400496, gnomAD 0.006%). This variant has not been reported in the literature in individuals affected with GRIN2D-related conditions. ClinVar contains an entry for this variant (Variation ID: 1381661). An algorithm developed to predict the effect of missense changes on protein structure and function (PolyPhen-2) suggests that this variant is likely to be disruptive. In summary, the available evidence is currently insufficient to determine the role of this variant in disease. Therefore, it has been classified as a Variant of Uncertain Significance.

NM_000836.4(GRIN2D):c.2662G>A (p.Ala888Thr)

Gene: GRIN2D (glutamate ionotropic receptor NMDA type subunit 2D; plus strand). Cytogenetic location: 19q13.33.
Variant type: single nucleotide variant.
Coding change: c.2662G>A on transcript NM_000836.4 (MANE Select); coding-DNA position 2662, G replaced by A.
Protein change: p.Ala888Thr; replaces alanine 888 with threonine.
Molecular consequence: missense variant.
Genome position (GRCh38, 1-based): chr19:48,442,371, G>A. VCF-style: chr19-48442371-G-A. GRCh37 (hg19) VCF-style: chr19-48945628-G-A.
Other names: short protein forms A888T.
Identifiers: ClinVar variation 1381661 (VCV001381661.6), dbSNP rs778400496, ClinGen allele CA9550789.